The following is an entry in ClinVar:

ClinVar aggregate classification (germline): Conflicting classifications of pathogenicity. Review status: criteria provided, conflicting classifications (1 of 4 stars). 2 submissions from 2 submitters: Uncertain significance (1); Likely benign (1). Last evaluated 2025-03-18.

Conditions:
Dilated cardiomyopathy 1DD (CMD1DD). Identifiers: Orphanet 154, MedGen C2750995, MONDO:0013168, OMIM 613172.

Allele frequency attached by ClinVar (database versions not stated): gnomAD 0.00001; TOPMed 0.00001; gnomAD exomes 0.00002 and 0.00004.
gnomAD v4.1: 11 of 1,551,748 alleles (0.00071%); highest among the groups gnomAD compares: East Asian, 0.027%; no homozygotes.

Submissions (2):

GeneDx
Classification: Uncertain significance. Last evaluated: 2025-03-18. Review status: criteria provided, single submitter. Criteria: GeneDx Variant Classification Process June 2021. Collection method: clinical testing. Allele origin: germline. Affected: yes.
Comment: Reported in a patient with suspected cardiomyopathy in published literature; however, detailed clinical information was not provided (PMID: 37652022); In silico analysis indicates that this missense variant does not alter protein structure/function; This variant is associated with the following publications: (PMID: 37652022)

Labcorp Genetics (formerly Invitae), Labcorp
Classification: Likely benign for Dilated cardiomyopathy 1DD. Last evaluated: 2024-10-15. Review status: criteria provided, single submitter. Criteria: Invitae Variant Classification Sherloc (09022015). Collection method: clinical testing. Allele origin: germline.

NM_001134363.3(RBM20):c.467C>T (p.Ala156Val)

Gene: RBM20 (RNA binding motif protein 20; plus strand). Cytogenetic location: 10q25.2.
Variant type: single nucleotide variant.
Coding change: c.467C>T on transcript NM_001134363.3 (MANE Select); coding-DNA position 467, C replaced by T.
Protein change: p.Ala156Val; replaces alanine 156 with valine.
Molecular consequence: missense variant.
Genome position (GRCh38, 1-based): chr10:110,781,076, C>T. VCF-style: chr10-110781076-C-T. GRCh37 (hg19) VCF-style: chr10-112540834-C-T.
Other names: c.467C>T (NM_001134363.1); short protein forms A156V.
Identifiers: ClinVar variation 1624200 (VCV001624200.9), dbSNP rs921903094, ClinGen allele CA213234643.
Genomic context (GRCh38, chr10:110,781,076, plus strand): 5'-AACTGAGGCATCCGTCTGTGATCACTGGCCCCCACGGCCATGCTGGGGTTCCCCAACATG[C>T]TGCAGCCATACCCAGTACCCGGTTTCCCTCTAATGCAATTGCCTTTTCACCCCCCAGCCA-3'
Protein context (NP_001127835.2, residues 146-166): PHGHAGVPQH[Ala156Val]AAIPSTRFPS